The following is an entry in ClinVar:

NM_007118.4(TRIO):c.1955T>C (p.Leu652Pro)

Gene: TRIO (trio Rho guanine nucleotide exchange factor; plus strand). Cytogenetic location: 5p15.2.
Variant type: single nucleotide variant.
Coding change: c.1955T>C on transcript NM_007118.4 (MANE Select); coding-DNA position 1955, T replaced by C.
Protein change: p.Leu652Pro; replaces leucine 652 with proline.
Molecular consequence: missense variant. On other transcripts: non-coding transcript variant (1).
Genome position (GRCh38, 1-based): chr5:14,336,636, T>C. VCF-style: chr5-14336636-T-C. GRCh37 (hg19) VCF-style: chr5-14336745-T-C.
Other names: short protein forms L652P.
Identifiers: ClinVar variation 1031136 (VCV001031136.1), dbSNP rs1741443770, ClinGen allele CA359193941.

ClinVar aggregate classification (germline): Uncertain significance (1 of 4 stars; one submission).

Conditions:
Intellectual developmental disorder, autosomal dominant 44, with microcephaly. Also called: Micrognathia-recurrent infections-behavioral abnormalities-mild intellectual disability syndrome; TRIO-Related Intellectual Disability. Identifiers: Orphanet 476126, MedGen C4310740, MONDO:0014892, OMIM 617061.

Submission:

Baylor Genetics
Classification: Uncertain significance for Intellectual developmental disorder, autosomal dominant 44, with microcephaly. Last evaluated: 2020-12-05. Review status: criteria provided, single submitter. Criteria: ACMG Guidelines, 2015. Collection method: clinical testing. Allele origin: de novo. Affected: yes.
Comment: This variant was determined to be of uncertain significance according to ACMG Guidelines, 2015 [PMID:25741868].